The following is an entry in ClinVar:

NM_004385.5(VCAN):c.1886G>A (p.Gly629Asp)

Gene: VCAN (versican; plus strand). Cytogenetic location: 5q14.3.
Variant type: single nucleotide variant.
Coding change: c.1886G>A on transcript NM_004385.5 (MANE Select); coding-DNA position 1886, G replaced by A.
Protein change: p.Gly629Asp; replaces glycine 629 with aspartic acid.
Molecular consequence: missense variant. On other transcripts: intron variant (2).
Genome position (GRCh38, 1-based): chr5:83,520,192, G>A. VCF-style: chr5-83520192-G-A. GRCh37 (hg19) VCF-style: chr5-82816011-G-A.
Other names: c.1886G>A, p.Gly629Asp (NM_001164098.2); c.1042+7796G>A (NM_001164097.2, NM_001126336.3); c.1886G>A (NM_004385.4); short protein forms G629D.
Identifiers: ClinVar variation 1382553 (VCV001382553.7), dbSNP rs778077504, ClinGen allele CA3332744.

ClinVar aggregate classification (germline): Uncertain significance. Review status: criteria provided, multiple submitters, no conflicts (2 of 4 stars). 2 submissions from 2 submitters: Uncertain significance (2). Last evaluated 2025-04-01.

Conditions:
Inborn genetic diseases. Identifiers: MedGen C0950123, MeSH D030342.

Allele frequency attached by ClinVar (database versions not stated): gnomAD 0.00001; ExAC 0.00002; TOPMed 0.00003; gnomAD exomes 0.00004.
gnomAD v4.1: 12 of 1,613,910 alleles (0.00074%); highest among the groups gnomAD compares: Admixed American, 0.02%; no homozygotes.

Submissions (2):

Ambry Genetics
Classification: Uncertain significance for Inborn genetic diseases. Last evaluated: 2025-04-01. Review status: criteria provided, single submitter. Criteria: Ambry Variant Classification Scheme 2023. Collection method: clinical testing. Allele origin: germline.

Labcorp Genetics (formerly Invitae), Labcorp
Classification: Uncertain significance. Last evaluated: 2025-01-08. Review status: criteria provided, single submitter. Criteria: Invitae Variant Classification Sherloc (09022015). Collection method: clinical testing. Allele origin: germline.
Comment: This sequence change replaces glycine, which is neutral and non-polar, with aspartic acid, which is acidic and polar, at codon 629 of the VCAN protein (p.Gly629Asp). This variant is present in population databases (rs778077504, gnomAD 0.03%). This variant has not been reported in the literature in individuals affected with VCAN-related conditions. ClinVar contains an entry for this variant (Variation ID: 1382553). An algorithm developed to predict the effect of missense changes on protein structure and function outputs the following: PolyPhen-2: "Benign". The aspartic acid amino acid residue is found in multiple mammalian species, which suggests that this missense change does not adversely affect protein function. In summary, the available evidence is currently insufficient to determine the role of this variant in disease. Therefore, it has been classified as a Variant of Uncertain Significance.